The following is an entry in ClinVar:

NM_005751.5(AKAP9):c.554A>G (p.Tyr185Cys)

Gene: AKAP9 (A-kinase anchoring protein 9; plus strand). Cytogenetic location: 7q21.2.
Variant type: single nucleotide variant.
Coding change: c.554A>G on transcript NM_005751.5 (MANE Select); coding-DNA position 554, A replaced by G.
Protein change: p.Tyr185Cys; replaces tyrosine 185 with cysteine.
Molecular consequence: missense variant.
Genome position (GRCh38, 1-based): chr7:91,993,033, A>G. VCF-style: chr7-91993033-A-G. GRCh37 (hg19) VCF-style: chr7-91622347-A-G.
Other names: c.554A>G, p.Tyr185Cys (NM_147185.3); short protein forms Y185C.
Identifiers: ClinVar variation 3225070 (VCV003225070.2), dbSNP rs199631609, ClinGen allele CA4335840.

ClinVar aggregate classification (germline): Conflicting classifications of pathogenicity. Review status: criteria provided, conflicting classifications (1 of 4 stars). 2 submissions from 2 submitters: Uncertain significance (1); Likely benign (1). Last evaluated 2025-09-20.

Conditions:
Long QT syndrome (LQTS). Identifiers: MedGen C0023976, MeSH D008133, MONDO:0002442. Disease mechanism: loss of function. Inheritance: Various modes of inheritance.
Cardiovascular phenotype. Identifiers: MedGen CN230736.

Allele frequency attached by ClinVar (database versions not stated): gnomAD exomes 0.00001; TOPMed 0.00001; ExAC 0.00002; gnomAD 0.00002; 1000 Genomes Project 30x 0.00016; 1000 Genomes Project 0.00020.
gnomAD v4.1: 23 of 1,614,070 alleles (0.0014%); highest among the groups gnomAD compares: East Asian, 0.02%; no homozygotes.

Submissions (2):

Labcorp Genetics (formerly Invitae), Labcorp
Classification: Uncertain significance for Long QT syndrome. Last evaluated: 2025-09-20. Review status: criteria provided, single submitter. Criteria: Invitae Variant Classification Sherloc (09022015). Collection method: clinical testing. Allele origin: germline.
Comment: This sequence change replaces tyrosine, which is neutral and polar, with cysteine, which is neutral and slightly polar, at codon 185 of the AKAP9 protein (p.Tyr185Cys). This variant is present in population databases (rs199631609, gnomAD 0.03%). This variant has not been reported in the literature in individuals affected with AKAP9-related conditions. ClinVar contains an entry for this variant (Variation ID: 3225070). An algorithm developed to predict the effect of missense changes on protein structure and function (PolyPhen-2) suggests that this variant is likely to be tolerated. In summary, the available evidence is currently insufficient to determine the role of this variant in disease. Therefore, it has been classified as a Variant of Uncertain Significance.

Ambry Genetics
Classification: Likely benign for Cardiovascular phenotype. Last evaluated: 2023-09-25. Review status: criteria provided, single submitter. Criteria: Ambry Variant Classification Scheme 2023. Collection method: clinical testing. Allele origin: germline.